The following is an entry in ClinVar:

NM_001197104.2(KMT2A):c.3797C>G (p.Pro1266Arg)

Gene: KMT2A (lysine methyltransferase 2A; plus strand). Cytogenetic location: 11q23.3.
Variant type: single nucleotide variant.
Coding change: c.3797C>G on transcript NM_001197104.2 (MANE Select); coding-DNA position 3797, C replaced by G.
Protein change: p.Pro1266Arg; replaces proline 1266 with arginine.
Molecular consequence: missense variant.
Genome position (GRCh38, 1-based): chr11:118,481,877, C>G. VCF-style: chr11-118481877-C-G. GRCh37 (hg19) VCF-style: chr11-118352592-C-G.
Other names: c.3896C>G, p.Pro1299Arg (NM_001412597.1); c.3797C>G, p.Pro1266Arg (NM_005933.4); short protein forms P1266R, P1299R.
Identifiers: ClinVar variation 3012167 (VCV003012167.3), dbSNP rs970901865, ClinGen allele CA229527638.
Genomic context (GRCh38, chr11:118,481,877, plus strand): 5'-CATCAGCAAGAGAGGATCCTGCCCCAAAGAAAAGCAGTAGTGAGCCTCCTCCACGAAAGC[C>G]CGTCGAGGAAAAGAGTGAAGAAGGGAATGTCTCGGCCCCTGGGCCTGAATCCAAACAGGC-3'
Protein context (NP_001184033.1, residues 1256-1276): KSSSEPPPRK[Pro1266Arg]VEEKSEEGNV

ClinVar aggregate classification (germline): Uncertain significance (1 of 4 stars; one submission).

gnomAD v4.1: 6 of 1,614,174 alleles (0.00037%); highest among the groups gnomAD compares: Non-Finnish European, 0.00051%; no homozygotes.

Submission:

Labcorp Genetics (formerly Invitae), Labcorp
Classification: Uncertain significance. Last evaluated: 2023-02-18. Review status: criteria provided, single submitter. Criteria: Invitae Variant Classification Sherloc (09022015). Collection method: clinical testing. Allele origin: germline.
Comment: This sequence change replaces proline, which is neutral and non-polar, with arginine, which is basic and polar, at codon 1266 of the KMT2A protein (p.Pro1266Arg). This variant is not present in population databases (gnomAD no frequency). This variant has not been reported in the literature in individuals affected with KMT2A-related conditions. Advanced modeling of protein sequence and biophysical properties (such as structural, functional, and spatial information, amino acid conservation, physicochemical variation, residue mobility, and thermodynamic stability) performed at Invitae indicates that this missense variant is not expected to disrupt KMT2A protein function. In summary, the available evidence is currently insufficient to determine the role of this variant in disease. Therefore, it has been classified as a Variant of Uncertain Significance.